The following is an entry in ClinVar:

ClinVar aggregate classification (germline): Uncertain significance (1 of 4 stars; one submission).

Conditions:
Inborn genetic diseases. Identifiers: MedGen C0950123, MeSH D030342.

Submission:

Ambry Genetics
Classification: Uncertain significance for Inborn genetic diseases. Last evaluated: 2022-05-14. Review status: criteria provided, single submitter. Criteria: Ambry Variant Classification Scheme 2023. Collection method: clinical testing. Allele origin: germline.
Comment: The p.K542T variant (also known as c.1625A>C), located in coding exon 7 of the ATR gene, results from an A to C substitution at nucleotide position 1625. The lysine at codon 542 is replaced by threonine, an amino acid with similar properties. This amino acid position is conserved. In addition, this alteration is predicted to be tolerated by in silico analysis. Since supporting evidence is limited at this time, the clinical significance of this alteration remains unclear.

NM_001184.4(ATR):c.1625A>C (p.Lys542Thr)

Gene: ATR (ATR checkpoint kinase; minus strand). Cytogenetic location: 3q23.
Variant type: single nucleotide variant.
Coding change: c.1625A>C on transcript NM_001184.4 (MANE Select); coding-DNA position 1625, A replaced by C.
Protein change: p.Lys542Thr; replaces lysine 542 with threonine.
Molecular consequence: missense variant.
Genome position (GRCh38, 1-based): chr3:142,559,358, T>G on the plus strand (A>C on the coding strand, the complement: ATR is on the minus strand). VCF-style: chr3-142559358-T-G. GRCh37 (hg19) VCF-style: chr3-142278200-T-G.
Other names: c.1433A>C, p.Lys478Thr (NM_001354579.2); short protein forms K542T, K478T.
Identifiers: ClinVar variation 1776676 (VCV001776676.2), dbSNP rs2108480026, ClinGen allele CA354822236.